The following is an entry in ClinVar:

ClinVar aggregate classification (germline): Likely benign (1 of 4 stars; one submission).

gnomAD v4.1: 1 of 1,600,388 alleles (0.000062%); highest among the groups gnomAD compares: Non-Finnish European, 0.000086%; no homozygotes.

Submission:

Mayo Clinic Laboratories, Mayo Clinic
Classification: Likely benign. Last evaluated: 2025-05-06. Review status: criteria provided, single submitter. Criteria: ACMG Guidelines, 2015. Collection method: clinical testing. Allele origin: germline. Observed: 1 variant allele.
Comment: BP4, BP7, PM2_supporting

NM_014498.5(GOLIM4):c.1611A>G (p.Glu537=)

Gene: GOLIM4 (golgi integral membrane protein 4; minus strand). Cytogenetic location: 3q26.2.
Variant type: single nucleotide variant.
Coding change: c.1611A>G on transcript NM_014498.5 (MANE Select); coding-DNA position 1611, A replaced by G.
Protein change: p.Glu537=; no amino-acid change (glutamic acid 537 retained).
Molecular consequence: synonymous variant.
Genome position (GRCh38, 1-based): chr3:168,027,740, T>C on the plus strand (A>G on the coding strand, the complement: GOLIM4 is on the minus strand). VCF-style: chr3-168027740-T-C. GRCh37 (hg19) VCF-style: chr3-167745528-T-C.
Other names: p.Glu537=; c.1527A>G, p.Glu509= (NM_001308155.2).
Identifiers: ClinVar variation 4684736 (VCV004684736.1).
Genomic context (GRCh38, chr3:168,027,740, plus strand): 5'-CCACCTTATGAGTTTACATGTGTCAGGGGCAGAAGAGAGGATACTTACATCTGCCTCAGA[T>C]TCTGGGTCGGCTTCTCGGGGTCCTTGTTCACGAGGCTCATGTCTATTACCTGGATCTCCT-3'
Protein context (NP_055313.1, residues 527-547): REQGPREADP[Glu537=]SEADRAAVED